The following is an entry in ClinVar:

ClinVar aggregate classification (germline): Uncertain significance (1 of 4 stars; one submission).

Conditions:
EPILEPSY, CHILDHOOD ABSENCE, SUSCEPTIBILITY TO, 2 (ECA2). Identifiers: Orphanet 64280, MedGen C1843244, OMIM 607681.
Febrile seizures, familial, 8 (FEB8). Also called: CONVULSIONS, FAMILIAL FEBRILE, 8. Identifiers: Orphanet 36387, MedGen C1969810, MONDO:0011891, OMIM 607681.

Submission:

Labcorp Genetics (formerly Invitae), Labcorp
Classification: Uncertain significance for Febrile seizures, familial, 8; EPILEPSY, CHILDHOOD ABSENCE, SUSCEPTIBILITY TO, 2. Last evaluated: 2021-10-05. Review status: criteria provided, single submitter. Criteria: Invitae Variant Classification Sherloc (09022015). Collection method: clinical testing. Allele origin: germline.
Comment: Advanced modeling of protein sequence and biophysical properties (such as structural, functional, and spatial information, amino acid conservation, physicochemical variation, residue mobility, and thermodynamic stability) performed at Invitae indicates that this missense variant is expected to disrupt GABRG2 protein function. In summary, the available evidence is currently insufficient to determine the role of this variant in disease. Therefore, it has been classified as a Variant of Uncertain Significance. This variant has not been reported in the literature in individuals affected with GABRG2-related conditions. This variant is not present in population databases (ExAC no frequency). This sequence change replaces alanine with threonine at codon 300 of the GABRG2 protein (p.Ala300Thr). The alanine residue is highly conserved and there is a small physicochemical difference between alanine and threonine.

NM_198904.4(GABRG2):c.898G>A (p.Ala300Thr)

Gene: GABRG2 (gamma-aminobutyric acid type A receptor subunit gamma2; plus strand). Cytogenetic location: 5q34.
Variant type: single nucleotide variant.
Coding change: c.898G>A on transcript NM_198904.4 (MANE Select); coding-DNA position 898, G replaced by A.
Protein change: p.Ala300Thr; replaces alanine 300 with threonine.
Molecular consequence: missense variant.
Genome position (GRCh38, 1-based): chr5:162,142,292, G>A. VCF-style: chr5-162142292-G-A. GRCh37 (hg19) VCF-style: chr5-161569298-G-A.
Other names: c.898G>A, p.Ala300Thr (NM_000816.3, NM_001375340.1); c.889G>A, p.Ala297Thr (NM_001375339.1); c.895G>A, p.Ala299Thr (NM_001375341.1, NM_001375342.1); c.1018G>A, p.Ala340Thr (NM_001375343.1, NM_198903.2); c.937G>A, p.Ala313Thr (NM_001375344.1); c.832G>A, p.Ala278Thr (NM_001375345.1, NM_001375346.1); c.811G>A, p.Ala271Thr (NM_001375347.1); c.478G>A, p.Ala160Thr (NM_001375348.1, NM_001375350.1); and 1 more; short protein forms A205T, A271T, A299T, A300T, A313T, A297T, A340T, A160T.
Identifiers: ClinVar variation 1504425 (VCV001504425.6), dbSNP rs2113599106, ClinGen allele CA362182232.